The following is an entry in ClinVar:

ClinVar aggregate classification (germline): Uncertain significance (1 of 4 stars; one submission).

Conditions:
Inborn genetic diseases. Identifiers: MedGen C0950123, MeSH D030342.

Submission:

Ambry Genetics
Classification: Uncertain significance for Inborn genetic diseases. Last evaluated: 2021-11-07. Review status: criteria provided, single submitter. Criteria: Ambry Variant Classification Scheme 2023. Collection method: clinical testing. Allele origin: germline.
Comment: The p.N467D variant (also known as c.1399A>G), located in coding exon 12 of the LRRK2 gene, results from an A to G substitution at nucleotide position 1399. The asparagine at codon 467 is replaced by aspartic acid, an amino acid with highly similar properties. This amino acid position is conserved. In addition, this alteration is predicted to be tolerated by in silico analysis. Since supporting evidence is limited at this time, the clinical significance of this alteration remains unclear.

NM_198578.4(LRRK2):c.1399A>G (p.Asn467Asp)

Gene: LRRK2 (leucine rich repeat kinase 2; plus strand). Cytogenetic location: 12q12.
Variant type: single nucleotide variant.
Coding change: c.1399A>G on transcript NM_198578.4 (MANE Select); coding-DNA position 1399, A replaced by G.
Protein change: p.Asn467Asp; replaces asparagine 467 with aspartic acid.
Molecular consequence: missense variant.
Genome position (GRCh38, 1-based): chr12:40,257,358, A>G. VCF-style: chr12-40257358-A-G. GRCh37 (hg19) VCF-style: chr12-40651160-A-G.
Other names: short protein forms N467D.
Identifiers: ClinVar variation 1771695 (VCV001771695.2), dbSNP rs2499538335, ClinGen allele CA384410861.